The following is an entry in ClinVar:

ClinVar aggregate classification (germline): Uncertain significance (1 of 4 stars; one submission).

Submission:

Labcorp Genetics (formerly Invitae), Labcorp
Classification: Uncertain significance. Last evaluated: 2023-09-20. Review status: criteria provided, single submitter. Criteria: Invitae Variant Classification Sherloc (09022015). Collection method: clinical testing. Allele origin: germline.
Comment: In summary, the available evidence is currently insufficient to determine the role of this variant in disease. Therefore, it has been classified as a Variant of Uncertain Significance. This sequence change replaces glutamic acid, which is acidic and polar, with alanine, which is neutral and non-polar, at codon 701 of the CLCN6 protein (p.Glu701Ala). This variant is not present in population databases (gnomAD no frequency). This variant has not been reported in the literature in individuals affected with CLCN6-related conditions. An algorithm developed to predict the effect of missense changes on protein structure and function (PolyPhen-2) suggests that this variant is likely to be tolerated.

NM_001286.5(CLCN6):c.2102A>C (p.Glu701Ala)

Gene: CLCN6 (chloride voltage-gated channel 6; plus strand). Cytogenetic location: 1p36.22.
Variant type: single nucleotide variant.
Coding change: c.2102A>C on transcript NM_001286.5 (MANE Select); coding-DNA position 2102, A replaced by C.
Protein change: p.Glu701Ala; replaces glutamic acid 701 with alanine.
Molecular consequence: missense variant. On other transcripts: non-coding transcript variant (1).
Genome position (GRCh38, 1-based): chr1:11,837,120, A>C. VCF-style: chr1-11837120-A-C. GRCh37 (hg19) VCF-style: chr1-11897177-A-C.
Other names: c.2036A>C, p.Glu679Ala (NM_001256959.2); short protein forms E679A, E701A.
Identifiers: ClinVar variation 2762133 (VCV002762133.3), dbSNP rs2523170313, ClinGen allele CA338439983.